The following is an entry in ClinVar:

NM_000090.4(COL3A1):c.2122-11C>G

Gene: COL3A1 (collagen type III alpha 1 chain; plus strand). Cytogenetic location: 2q32.2.
Variant type: single nucleotide variant.
Coding change: c.2122-11C>G on transcript NM_000090.4 (MANE Select); 11 bases into the intron before coding-DNA position 2122, C replaced by G.
Molecular consequence: intron variant.
Genome position (GRCh38, 1-based): chr2:188,999,459, C>G. VCF-style: chr2-188999459-C-G. GRCh37 (hg19) VCF-style: chr2-189864185-C-G.
Identifiers: ClinVar variation 2694358 (VCV002694358.3), dbSNP rs2469143830, ClinGen allele CA2697551451.

ClinVar aggregate classification (germline): Uncertain significance (1 of 4 stars; one submission).

Conditions:
Ehlers-Danlos syndrome, type 4 (EDSVASC). Also called: Ehlers-Danlos Syndrome Type IV; Ehlers-Danlos syndrome vascular type; Ehlers Danlos syndrome, ecchymotic type; Ehlers Danlos syndrome, arterial type; Ehlers Danlos syndrome, Sack-Barabas type. Identifiers: Orphanet 286, MedGen C0268338, MONDO:0017314, OMIM 130050.

Submission:

Labcorp Genetics (formerly Invitae), Labcorp
Classification: Uncertain significance for Ehlers-Danlos syndrome, type 4. Last evaluated: 2023-11-08. Review status: criteria provided, single submitter. Criteria: Invitae Variant Classification Sherloc (09022015). Collection method: clinical testing. Allele origin: germline.
Comment: This sequence change falls in intron 30 of the COL3A1 gene. It does not directly change the encoded amino acid sequence of the COL3A1 protein. This variant is not present in population databases (gnomAD no frequency). This variant has not been reported in the literature in individuals affected with COL3A1-related conditions. Algorithms developed to predict the effect of sequence changes on RNA splicing suggest that this variant may disrupt the consensus splice site. In summary, the available evidence is currently insufficient to determine the role of this variant in disease. Therefore, it has been classified as a Variant of Uncertain Significance.